The following is an entry in ClinVar:

ClinVar aggregate classification (germline): Uncertain significance. Review status: criteria provided, multiple submitters, no conflicts (2 of 4 stars). 2 submissions from 2 submitters: Uncertain significance (2). Last evaluated 2023-11-20.

Submissions (2):

Blueprint Genetics
Classification: Uncertain significance. Last evaluated: 2023-11-20. Review status: criteria provided, single submitter. Criteria: ACMG Guidelines, 2015. Collection method: clinical testing. Allele origin: germline.

Labcorp Genetics (formerly Invitae), Labcorp
Classification: Uncertain significance. Last evaluated: 2023-05-15. Review status: criteria provided, single submitter. Criteria: Invitae Variant Classification Sherloc (09022015). Collection method: clinical testing. Allele origin: germline.
Comment: In summary, the available evidence is currently insufficient to determine the role of this variant in disease. Therefore, it has been classified as a Variant of Uncertain Significance. Experimental studies and prediction algorithms are not available or were not evaluated, and the functional significance of this variant is currently unknown. ClinVar contains an entry for this variant (Variation ID: 2070809). This variant has not been reported in the literature in individuals affected with COL4A3-related conditions. This variant is not present in population databases (gnomAD no frequency). This sequence change replaces glycine, which is neutral and non-polar, with aspartic acid, which is acidic and polar, at codon 1140 of the COL4A3 protein (p.Gly1140Asp).

NM_000091.5(COL4A3):c.3419G>A (p.Gly1140Asp)

Genes: COL4A3 (collagen type IV alpha 3 chain; plus strand), MFF-DT (MFF divergent transcript; minus strand). Cytogenetic location: 2q36.3.
Variant type: single nucleotide variant.
Coding change: c.3419G>A on transcript NM_000091.5 (MANE Select); coding-DNA position 3419, G replaced by A.
Protein change: p.Gly1140Asp; replaces glycine 1140 with aspartic acid.
Molecular consequence: missense variant.
Genome position (GRCh38, 1-based): chr2:227,294,964, G>A. VCF-style: chr2-227294964-G-A. GRCh37 (hg19) VCF-style: chr2-228159680-G-A.
Other names: short protein forms G1140D.
Identifiers: ClinVar variation 2070809 (VCV002070809.5), dbSNP rs2469863197, ClinGen allele CA350858664.
Genomic context (GRCh38, chr2:227,294,964, plus strand): 5'-ATAAATCCTCTTTTTGTATACCATAGTTTGGGGTTTTTGGGTTTTTTTTTTTTTTTTCAG[G>A]TCTTCCAGGATTTCCAGGATCTCCTGGACCAATGGGTATAAGAGGTGACCAAGGACGTGA-3'
Protein context (NP_000082.2, residues 1130-1150): LGPPGIRGPP[Gly1140Asp]LPGFPGSPGP